The following is an entry in ClinVar:

NM_004618.5(TOP3A):c.308G>A (p.Arg103Gln)

Gene: TOP3A (DNA topoisomerase III alpha; minus strand). Cytogenetic location: 17p11.2.
Variant type: single nucleotide variant.
Coding change: c.308G>A on transcript NM_004618.5 (MANE Select); coding-DNA position 308, G replaced by A.
Protein change: p.Arg103Gln; replaces arginine 103 with glutamine.
Molecular consequence: missense variant. On other transcripts: intron variant (1).
Genome position (GRCh38, 1-based): chr17:18,308,357, C>T on the plus strand (G>A on the coding strand, the complement: TOP3A is on the minus strand). VCF-style: chr17-18308357-C-T. GRCh37 (hg19) VCF-style: chr17-18211671-C-T.
Other names: c.29+525G>A (NM_001320759.2); c.308G>A (NM_004618.4); short protein forms R103Q.
Identifiers: ClinVar variation 1434120 (VCV001434120.8), dbSNP rs765699208, ClinGen allele CA8430292.

ClinVar aggregate classification (germline): Conflicting classifications of pathogenicity. Review status: criteria provided, conflicting classifications (1 of 4 stars). 3 submissions from 3 submitters: Pathogenic (1); Uncertain significance (2). Last evaluated 2025-12-19.

Conditions:
TOP3A-related disorder. Also called: TOP3A-related disorders; TOP3A-related condition.

Allele frequency attached by ClinVar (database versions not stated): gnomAD exomes 0.00004 and 0.00011; TOPMed 0.00004; ExAC 0.00006; gnomAD 0.00006 and 0.00007.
gnomAD v4.1: 72 of 1,596,356 alleles (0.0045%); highest among the groups gnomAD compares: Admixed American, 0.015%; no homozygotes.

Submissions (3):

Labcorp Genetics (formerly Invitae), Labcorp
Classification: Pathogenic. Last evaluated: 2025-12-19. Review status: criteria provided, single submitter. Criteria: Invitae Variant Classification Sherloc (09022015). Collection method: clinical testing. Allele origin: germline.
Comment: This sequence change replaces arginine, which is basic and polar, with glutamine, which is neutral and polar, at codon 103 of the TOP3A protein (p.Arg103Gln). This variant is present in population databases (rs765699208, gnomAD 0.2%). This missense change has been observed in individuals with clinical features of TOP3A-related conditions (PMID: 37013609; internal data). ClinVar contains an entry for this variant (Variation ID: 1434120). An algorithm developed to predict the effect of missense changes on protein structure and function (PolyPhen-2) suggests that this variant is likely to be tolerated. Experimental studies have shown that this missense change affects TOP3A function (PMID: 37013609). Algorithms developed to predict the effect of sequence changes on RNA splicing suggest that this variant may disrupt the consensus splice site. For these reasons, this variant has been classified as Pathogenic.

PreventionGenetics, part of Exact Sciences
Classification: Uncertain significance for TOP3A-related condition. Last evaluated: 2025-04-03. Review status: criteria provided, single submitter. Criteria: ACMG Guidelines, 2015. Collection method: clinical testing. Allele origin: germline.
Comment: The TOP3A c.308G>A variant is predicted to result in the amino acid substitution p.Arg103Gln. This variant was reported in multiple individuals with adult-onset mitochondrial disease in both the homozygous and compound heterozygous states (Erdinc et al. 2023. PubMed ID: 37013609). This variant is reported in 0.19% of alleles in individuals of Ashkenazi Jewish descent in gnomAD. Although we suspect that this variant may be pathogenic, at this time, the clinical significance of this variant is uncertain due to the absence of conclusive functional and genetic evidence.

GeneDx
Classification: Uncertain significance. Last evaluated: 2024-04-29. Review status: criteria provided, single submitter. Criteria: GeneDx Variant Classification Process June 2021. Collection method: clinical testing. Allele origin: germline.
Comment: Published functional studies suggest a damaging effect (PMID: 37013609); In silico analysis supports that this missense variant does not alter protein structure/function; This variant is associated with the following publications: (PMID: 37013609)

Literature cited by the submitters: PubMed 37013609 (cited by Labcorp Genetics (formerly Invitae), Labcorp).